The following is an entry in ClinVar:

ClinVar aggregate classification (germline): Uncertain significance. Review status: criteria provided, multiple submitters, no conflicts (2 of 4 stars). 2 submissions from 2 submitters: Uncertain significance (2). Last evaluated 2021-03-23.

Conditions:
Ullrich congenital muscular dystrophy 2 (UCMD2). Identifiers: Orphanet 75840, MedGen C4225314, MONDO:0014654, OMIM 616470.
Bethlem myopathy 2 (BTHLM2). Identifiers: Orphanet 536516, Orphanet 610, MedGen C4225313, MONDO:0034022, OMIM 616471.

gnomAD v4.1: 1 of 1,614,114 alleles (0.000062%); highest among the groups gnomAD compares: Non-Finnish European, 0.000085%; no homozygotes.

Submissions (2):

Revvity Omics, Revvity
Classification: Uncertain significance. Last evaluated: 2021-03-23. Review status: criteria provided, single submitter. Criteria: ACMG Guidelines, 2015. Collection method: clinical testing. Allele origin: germline.

Labcorp Genetics (formerly Invitae), Labcorp
Classification: Uncertain significance for Bethlem myopathy 2; Ullrich congenital muscular dystrophy 2. Last evaluated: 2018-02-28. Review status: criteria provided, single submitter. Criteria: Invitae Variant Classification Sherloc (09022015). Collection method: clinical testing. Allele origin: germline.
Comment: In summary, the available evidence is currently insufficient to determine the role of this variant in disease. Therefore, it has been classified as a Variant of Uncertain Significance. Algorithms developed to predict the effect of sequence changes on RNA splicing suggest that this variant may create or strengthen a splice site, but this prediction has not been confirmed by published transcriptional studies. Algorithms developed to predict the effect of missense changes on protein structure and function do not agree on the potential impact of this missense change (SIFT: "Deleterious"; PolyPhen-2: "Possibly Damaging"; Align-GVGD: "Class C0"). This variant has not been reported in the literature in individuals with COL12A1-related disease. This variant is not present in population databases (ExAC no frequency). This sequence change replaces arginine with serine at codon 1965 of the COL12A1 protein (p.Arg1965Ser). The arginine residue is highly conserved and there is a moderate physicochemical difference between arginine and serine.

NM_004370.6(COL12A1):c.5893C>A (p.Arg1965Ser)

Gene: COL12A1 (collagen type XII alpha 1 chain; minus strand). Cytogenetic location: 6q13.
Variant type: single nucleotide variant.
Coding change: c.5893C>A on transcript NM_004370.6 (MANE Select); coding-DNA position 5893, C replaced by A.
Protein change: p.Arg1965Ser; replaces arginine 1965 with serine.
Molecular consequence: missense variant.
Genome position (GRCh38, 1-based): chr6:75,131,984, G>T on the plus strand (C>A on the coding strand, the complement: COL12A1 is on the minus strand). VCF-style: chr6-75131984-G-T. GRCh37 (hg19) VCF-style: chr6-75841700-G-T.
Other names: c.2401C>A, p.Arg801Ser (NM_080645.3); short protein forms R1965S, R801S.
Identifiers: ClinVar variation 573385 (VCV000573385.11), dbSNP rs200487396, ClinGen allele CA364732811.